The following is an entry in ClinVar:

NM_003172.4(SURF1):c.338A>G (p.Lys113Arg)

Gene: SURF1 (SURF1 cytochrome c oxidase assembly factor; minus strand). Cytogenetic location: 9q34.2.
Variant type: single nucleotide variant.
Coding change: c.338A>G on transcript NM_003172.4 (MANE Select); coding-DNA position 338, A replaced by G.
Protein change: p.Lys113Arg; replaces lysine 113 with arginine.
Molecular consequence: missense variant.
Genome position (GRCh38, 1-based): chr9:133,353,926, T>C on the plus strand (A>G on the coding strand, the complement: SURF1 is on the minus strand). VCF-style: chr9-133353926-T-C. GRCh37 (hg19) VCF-style: chr9-136220781-T-C.
Other names: c.11A>G, p.Lys4Arg (NM_001280787.1); short protein forms K113R, K4R.
Identifiers: ClinVar variation 1496237 (VCV001496237.6), dbSNP rs2119083584, ClinGen allele CA375694489.

ClinVar aggregate classification (germline): Uncertain significance (1 of 4 stars; one submission).

Conditions:
Leigh syndrome (NULS). Also called: Leigh Disease; Leigh's necrotizing encephalopathy; Leigh's disease; Leigh Syndrome (mtDNA deletion); LEIGH SYNDROME, NUCLEAR; Leigh's syndrome. Identifiers: Orphanet 506, MedGen C2931891, MONDO:0009723, OMIM 256000.

Submission:

Labcorp Genetics (formerly Invitae), Labcorp
Classification: Uncertain significance for Leigh syndrome. Last evaluated: 2023-08-17. Review status: criteria provided, single submitter. Criteria: Invitae Variant Classification Sherloc (09022015). Collection method: clinical testing. Allele origin: germline.
Comment: In summary, the available evidence is currently insufficient to determine the role of this variant in disease. Therefore, it has been classified as a Variant of Uncertain Significance. Advanced modeling of protein sequence and biophysical properties (such as structural, functional, and spatial information, amino acid conservation, physicochemical variation, residue mobility, and thermodynamic stability) performed at Invitae indicates that this missense variant is not expected to disrupt SURF1 protein function. ClinVar contains an entry for this variant (Variation ID: 1496237). This variant has not been reported in the literature in individuals affected with SURF1-related conditions. This variant is not present in population databases (gnomAD no frequency). This sequence change replaces lysine, which is basic and polar, with arginine, which is basic and polar, at codon 113 of the SURF1 protein (p.Lys113Arg).